The following is an entry in ClinVar:

ClinVar aggregate classification (germline): Benign. Review status: criteria provided, multiple submitters, no conflicts (2 of 4 stars). 2 submissions from 2 submitters: Benign (2). Last evaluated 2018-01-13.

Conditions:
Medulloblastoma (MDB). Also called: Medulloblastoma, somatic; MEDULLOBLASTOMA PREDISPOSITION SYNDROME. Identifiers: Orphanet 616, MedGen C0025149, MeSH D008527, MONDO:0007959, OMIM 155255, HP:0002885.

Allele frequency attached by ClinVar (database versions not stated): 1000 Genomes Project 30x 0.19285; 1000 Genomes Project 0.19449; TOPMed 0.22457; gnomAD 0.23520 and 0.23724; gnomAD exomes 0.25627.
gnomAD v4.1: 56,852 of 233,274 alleles (24%); highest among the groups gnomAD compares: Non-Finnish European, 29%; 7,530 homozygotes.

Submissions (2):

Illumina Laboratory Services, Illumina
Classification: Benign for Medulloblastoma. Last evaluated: 2018-01-13. Review status: criteria provided, single submitter. Criteria: ICSL Variant Classification Criteria 13 December 2019. Collection method: clinical testing. Allele origin: germline.
Comment: This variant was observed in the ICSL laboratory as part of a predisposition screen in an ostensibly healthy population. It had not been previously curated by ICSL or reported in the Human Gene Mutation Database (HGMD: prior to June 1st, 2018), and was therefore a candidate for classification through an automated scoring system. Utilizing variant allele frequency, disease prevalence and penetrance estimates, and inheritance mode, an automated score was calculated to assess if this variant is too frequent to cause the disease. Based on the score and internal cut-off values, a variant classified as benign is not then subjected to further curation. The score for this variant resulted in a classification of benign for this disease.

Breakthrough Genomics
Classification: Benign. Review status: criteria provided, single submitter. Criteria: ACMG Guidelines, 2015. Collection method: not provided. Allele origin: germline. Inheritance: Autosomal recessive inheritance. Affected: yes.

NM_016169.4(SUFU):c.*1122C>T

Gene: SUFU (SUFU negative regulator of hedgehog signaling; plus strand). Cytogenetic location: 10q24.32.
Variant type: single nucleotide variant.
Coding change: c.*1122C>T on transcript NM_016169.4 (MANE Select); 1122 bases downstream of the stop codon, C replaced by T.
Molecular consequence: 3 prime UTR variant.
Genome position (GRCh38, 1-based): chr10:102,631,277, C>T. VCF-style: chr10-102631277-C-T. GRCh37 (hg19) VCF-style: chr10-104391034-C-T.
Identifiers: ClinVar variation 298587 (VCV000298587.6), dbSNP rs11596235, ClinGen allele CA10627923.